The following is an entry in ClinVar:

NM_001378120.1(MBD5):c.1507T>A (p.Ser503Thr)

Gene: MBD5 (methyl-CpG binding domain protein 5; plus strand). Cytogenetic location: 2q23.1.
Variant type: single nucleotide variant.
Coding change: c.1507T>A on transcript NM_001378120.1 (MANE Select); coding-DNA position 1507, T replaced by A.
Protein change: p.Ser503Thr; replaces serine 503 with threonine.
Molecular consequence: missense variant.
Genome position (GRCh38, 1-based): chr2:148,469,450, T>A. VCF-style: chr2-148469450-T-A. GRCh37 (hg19) VCF-style: chr2-149227019-T-A.
Other names: c.1507T>A (NM_018328.4); c.1507T>A, p.Ser503Thr (NM_018328.5); short protein forms S503T.
Identifiers: ClinVar variation 3001837 (VCV003001837.4), dbSNP rs1281306312, ClinGen allele CA348719831.

ClinVar aggregate classification (germline): Uncertain significance. Review status: criteria provided, multiple submitters, no conflicts (2 of 4 stars). 2 submissions from 2 submitters: Uncertain significance (2). Last evaluated 2025-08-13.

Conditions:
Intellectual developmental disorder, autosomal dominant 1. Also called: MBD5 Haploinsufficiency; Intellectual disability, autosomal dominant 1. Identifiers: Orphanet 228402, MedGen C1969562, MONDO:0007974, OMIM 156200.
Inborn genetic diseases. Identifiers: MedGen C0950123, MeSH D030342.

Allele frequency attached by ClinVar (database versions not stated): gnomAD 0.00001.
gnomAD v4.1: 2 of 1,613,748 alleles (0.00012%); highest among the groups gnomAD compares: East Asian, 0.0022%; no homozygotes.

Submissions (2):

Ambry Genetics
Classification: Uncertain significance for Inborn genetic diseases. Last evaluated: 2025-08-13. Review status: criteria provided, single submitter. Criteria: Ambry Variant Classification Scheme 2023. Collection method: clinical testing. Allele origin: germline.

Labcorp Genetics (formerly Invitae), Labcorp
Classification: Uncertain significance for Intellectual developmental disorder, autosomal dominant 1. Last evaluated: 2025-03-06. Review status: criteria provided, single submitter. Criteria: Invitae Variant Classification Sherloc (09022015). Collection method: clinical testing. Allele origin: germline.
Comment: This sequence change replaces serine, which is neutral and polar, with threonine, which is neutral and polar, at codon 503 of the MBD5 protein (p.Ser503Thr). This variant is present in population databases (no rsID available, gnomAD 0.06%). This variant has not been reported in the literature in individuals affected with MBD5-related conditions. ClinVar contains an entry for this variant (Variation ID: 3001837). Invitae Evidence Modeling of protein sequence and biophysical properties (such as structural, functional, and spatial information, amino acid conservation, physicochemical variation, residue mobility, and thermodynamic stability) indicates that this missense variant is not expected to disrupt MBD5 protein function with a negative predictive value of 80%. In summary, the available evidence is currently insufficient to determine the role of this variant in disease. Therefore, it has been classified as a Variant of Uncertain Significance.